The following is an entry in ClinVar:

NM_016169.4(SUFU):c.631G>A (p.Ala211Thr)

Gene: SUFU (SUFU negative regulator of hedgehog signaling; plus strand). Cytogenetic location: 10q24.32.
Variant type: single nucleotide variant.
Coding change: c.631G>A on transcript NM_016169.4 (MANE Select); coding-DNA position 631, G replaced by A.
Protein change: p.Ala211Thr; replaces alanine 211 with threonine.
Molecular consequence: missense variant.
Genome position (GRCh38, 1-based): chr10:102,593,669, G>A. VCF-style: chr10-102593669-G-A. GRCh37 (hg19) VCF-style: chr10-104353426-G-A.
Other names: c.631G>A, p.Ala211Thr (NM_001178133.2); short protein forms A211T.
Identifiers: ClinVar variation 5030443 (VCV005030443.1).

ClinVar aggregate classification (germline): Uncertain significance (1 of 4 stars; one submission).

Conditions:
Hereditary cancer-predisposing syndrome. Also called: Neoplastic Syndromes, Hereditary; Tumor predisposition; Hereditary neoplastic syndrome; Hereditary Cancer Syndrome. Identifiers: Orphanet 140162, MedGen C0027672, MeSH D009386, MONDO:0015356.

gnomAD v4.1: 3 of 1,614,226 alleles (0.00019%); highest among the groups gnomAD compares: Non-Finnish European, 0.00025%; no homozygotes.

Submission:

Ambry Genetics
Classification: Uncertain significance for Hereditary cancer-predisposing syndrome. Last evaluated: 2026-08-11. Review status: criteria provided, single submitter. Criteria: Ambry Variant Classification Scheme 2023. Collection method: clinical testing. Allele origin: germline.
Comment: The p.A211T variant (also known as c.631G>A), located in coding exon 5 of the SUFU gene, results from a G to A substitution at nucleotide position 631. The alanine at codon 211 is replaced by threonine, an amino acid with similar properties. This amino acid position is conserved. In addition, this alteration is predicted to be deleterious by in silico analysis. Based on the available evidence, the clinical significance of this variant remains unclear.